The following is an entry in ClinVar:

NM_001369369.1(FOXN1):c.965A>G (p.Asn322Ser)

Gene: FOXN1 (forkhead box N1; plus strand). Cytogenetic location: 17q11.2.
Variant type: single nucleotide variant.
Coding change: c.965A>G on transcript NM_001369369.1 (MANE Select); coding-DNA position 965, A replaced by G.
Protein change: p.Asn322Ser; replaces asparagine 322 with serine.
Molecular consequence: missense variant.
Genome position (GRCh38, 1-based): chr17:28,534,368, A>G. VCF-style: chr17-28534368-A-G. GRCh37 (hg19) VCF-style: chr17-26861386-A-G.
Other names: c.965A>G, p.Asn322Ser (NM_003593.3); short protein forms N322S.
Identifiers: ClinVar variation 573130 (VCV000573130.6), dbSNP rs1567886249, ClinGen allele CA398324499.

ClinVar aggregate classification (germline): Uncertain significance (1 of 4 stars; one submission).

Conditions:
T-cell immunodeficiency, congenital alopecia, and nail dystrophy. Also called: Congenital alopecia and nail dystrophy associated with severe functional T-cell immunodeficiency; Pignata Guarino syndrome. Identifiers: Orphanet 169095, MedGen C1866426, MONDO:0011132, OMIM 601705.

Submission:

Labcorp Genetics (formerly Invitae), Labcorp
Classification: Uncertain significance for T-cell immunodeficiency, congenital alopecia, and nail dystrophy. Last evaluated: 2018-06-20. Review status: criteria provided, single submitter. Criteria: Invitae Variant Classification Sherloc (09022015). Collection method: clinical testing. Allele origin: germline.
Comment: Algorithms developed to predict the effect of missense changes on protein structure and function (SIFT, PolyPhen-2, Align-GVGD) all suggest that this variant is likely to be disruptive, but these predictions have not been confirmed by published functional studies and their clinical significance is uncertain. This sequence change replaces asparagine with serine at codon 322 of the FOXN1 protein (p.Asn322Ser). The asparagine residue is highly conserved and there is a small physicochemical difference between asparagine and serine. This variant is not present in population databases (ExAC no frequency). This variant has not been reported in the literature in individuals with FOXN1-related disease. Algorithms developed to predict the effect of sequence changes on RNA splicing suggest that this variant may create or strengthen a splice site, but this prediction has not been confirmed by published transcriptional studies. In summary, the available evidence is currently insufficient to determine the role of this variant in disease. Therefore, it has been classified as a Variant of Uncertain Significance.